The following is an entry in ClinVar:

NM_194454.3(KRIT1):c.136A>G (p.Lys46Glu)

Gene: KRIT1 (KRIT1 ankyrin repeat containing; minus strand). Cytogenetic location: 7q21.2.
Variant type: single nucleotide variant.
Coding change: c.136A>G on transcript NM_194454.3 (MANE Select); coding-DNA position 136, A replaced by G.
Protein change: p.Lys46Glu; replaces lysine 46 with glutamic acid.
Molecular consequence: missense variant. On other transcripts: 5 prime UTR variant (1).
Genome position (GRCh38, 1-based): chr7:92,241,119, T>C on the plus strand (A>G on the coding strand, the complement: KRIT1 is on the minus strand). VCF-style: chr7-92241119-T-C. GRCh37 (hg19) VCF-style: chr7-91870433-T-C.
Other names: c.136A>G, p.Lys46Glu (NM_001013406.2, NM_001350669.1, NM_001350670.1 and 29 more transcripts); c.-448A>G (NM_001350671.1); short protein forms K46E.
Identifiers: ClinVar variation 908411 (VCV000908411.6), dbSNP rs138431665, ClinGen allele CA4339466.

ClinVar aggregate classification (germline): Uncertain significance. Review status: criteria provided, multiple submitters, no conflicts (2 of 4 stars). 4 submissions from 3 submitters: Uncertain significance (4). Last evaluated 2026-04-11.

Conditions:
Angiokeratoma corporis diffusum with arteriovenous fistulas. Identifiers: MedGen C1838141, MONDO:0010885, OMIM 600419.
Inborn genetic diseases. Identifiers: MedGen C0950123, MeSH D030342.
Cerebral cavernous malformation (CCM). Also called: CAVERNOUS ANGIOMA, FAMILIAL; CAVERNOUS ANGIOMATOUS MALFORMATIONS; CEREBRAL CAPILLARY MALFORMATIONS; Cavernous Hemangioma of Brain; Cerebral cavernous hemangioma (type); Cerebral cavernous malformations. Identifiers: Orphanet 221061, MedGen C2919945, MONDO:0000820, OMIM 116860, HP:0033522.

Allele frequency attached by ClinVar (database versions not stated): TOPMed 0.00001; gnomAD exomes 0.00001 and below 0.00001; ESP Exome Variant Server 0.00008; ExAC 0.00001; gnomAD 0.00001.
gnomAD v4.1: 11 of 1,611,338 alleles (0.00068%); highest among the groups gnomAD compares: Non-Finnish European, 0.00093%; no homozygotes.

Submissions (4):

Ambry Genetics
Classification: Uncertain significance for Inborn genetic diseases. Last evaluated: 2026-04-11. Review status: criteria provided, single submitter. Criteria: Ambry Variant Classification Scheme 2023. Collection method: clinical testing. Allele origin: germline.

Athena Diagnostics
Classification: Uncertain significance. Last evaluated: 2024-06-20. Review status: criteria provided, single submitter. Criteria: Athena Diagnostics Criteria. Collection method: clinical testing. Allele origin: unknown.
Comment: Available data are insufficient to determine the clinical significance of the variant at this time. The frequency of this variant in the general population is uninformative in assessment of its pathogenicity. Polyphen and MutationTaster predict this amino acid change may be benign.

Illumina Laboratory Services, Illumina
Classification: Uncertain significance for Angiokeratoma corporis diffusum with arteriovenous fistulas. Last evaluated: 2018-01-12. Review status: criteria provided, single submitter. Criteria: ICSL Variant Classification Criteria 13 December 2019. Collection method: clinical testing. Allele origin: germline.

Illumina Laboratory Services, Illumina
Classification: Uncertain significance for Cerebral cavernous malformation. Last evaluated: 2018-01-12. Review status: criteria provided, single submitter. Criteria: ICSL Variant Classification Criteria 13 December 2019. Collection method: clinical testing. Allele origin: germline.